The following is an entry in ClinVar:

ClinVar aggregate classification (germline): Likely pathogenic (1 of 4 stars; one submission).

Conditions:
Hermansky-Pudlak syndrome 3 (HPS3). Identifiers: Orphanet 231512, Orphanet 79430, MedGen C3888001, MONDO:0013555, OMIM 614072.

Submission:

Myriad Genetics, Inc.
Classification: Likely pathogenic for Hermansky-Pudlak syndrome 3. Last evaluated: 2022-02-17. Review status: criteria provided, single submitter. Criteria: Myriad Women's Health Autosomal Recessive and X-Linked Classification Criteria (2021). Collection method: clinical testing. Allele origin: unknown.
Comment: NM_032383.3(HPS3):c.2491_2493delTGTinsA(C831Kfs*17) is expected to be pathogenic in the context of Hermansky-Pudlak syndrome type 3. This variant is predicted to lead to an abnormal or absent protein product due to the creation of a premature termination codon in HPS3, a gene where loss-of-function variants are known to be pathogenic. Please note: this variant was assessed in the context of healthy population screening.

NM_032383.5(HPS3):c.2491_2493delinsA (p.Cys831fs)

Genes: CP (ceruloplasmin; minus strand), HPS3 (HPS3 biogenesis of lysosomal organelles complex 2 subunit 1; plus strand). Cytogenetic location: 3q24.
Variant type: Indel.
Coding change: c.2491_2493delinsA on transcript NM_032383.5 (MANE Select); coding-DNA positions 2491 to 2493, TGT replaced by A.
Protein change: p.Cys831fs; shifts the reading frame from cysteine 831.
Molecular consequence: frameshift variant.
Genome position (GRCh38, 1-based): chr3:149,163,851-149,163,853, TGT replaced by A. VCF-style: chr3-149163851-TGT-A. GRCh37 (hg19) VCF-style: chr3-148881638-TGT-A.
Other names: c.1996_1998delinsA, p.Cys666fs (NM_001308258.2); short protein forms C666fs, C831fs.
Identifiers: ClinVar variation 1724454 (VCV001724454.2), dbSNP rs2473128423, ClinGen allele CA2580068959.